The following is an entry in ClinVar:

NM_001999.4(FBN2):c.3547T>C (p.Cys1183Arg)

Gene: FBN2 (fibrillin 2; minus strand). Cytogenetic location: 5q23.3.
Variant type: single nucleotide variant.
Coding change: c.3547T>C on transcript NM_001999.4 (MANE Select); coding-DNA position 3547, T replaced by C.
Protein change: p.Cys1183Arg; replaces cysteine 1183 with arginine.
Molecular consequence: missense variant.
Genome position (GRCh38, 1-based): chr5:128,338,048, A>G on the plus strand (T>C on the coding strand, the complement: FBN2 is on the minus strand). VCF-style: chr5-128338048-A-G. GRCh37 (hg19) VCF-style: chr5-127673740-A-G.
Other names: short protein forms C1183R.
Identifiers: ClinVar variation 2775405 (VCV002775405.2), dbSNP rs2479809519, ClinGen allele CA360759336.

ClinVar aggregate classification (germline): Likely pathogenic (1 of 4 stars; one submission).

Conditions:
Congenital contractural arachnodactyly (CCA). Also called: BEALS SYNDROME; Beals-Hecht syndrome; Arthrogryposis, distal, type 9. Identifiers: Orphanet 115, MedGen C0220668, MONDO:0007363, OMIM 121050.

Submission:

MVZ Dr. Eberhard & Partner Dortmund
Classification: Likely pathogenic for Congenital contractural arachnodactyly. Last evaluated: 2023-02-27. Review status: criteria provided, single submitter. Criteria: ACMG Guidelines, 2015. Collection method: clinical testing. Allele origin: unknown. Observed: 1 heterozygote.
Comment: This variant was absent from control databases. Computational evidence supports a deleterious effect on the gene or gene product. Additionally this variant ist part of the calcium binding with EGF-like domain which is thought to be important for functionality and stability of the protein. The variant propably interferes with the disulfid bond at cystein 4 of the conensus sequence. There are also other variants in that reagion known to be causative for CCA.

Literature cited by the submitters: DOI https; PubMed 7493032; PubMed 18767143.